The following is an entry in ClinVar:

ClinVar aggregate classification (germline): Uncertain significance. Review status: criteria provided, multiple submitters, no conflicts (2 of 4 stars). 2 submissions from 2 submitters: Uncertain significance (2). Last evaluated 2025-04-19.

Conditions:
Inborn genetic diseases. Identifiers: MedGen C0950123, MeSH D030342.

Allele frequency attached by ClinVar (database versions not stated): ExAC 0.00002; TOPMed 0.00007; ESP Exome Variant Server 0.00008; gnomAD 0.00009.
gnomAD v4.1: 23 of 1,614,076 alleles (0.0014%); highest among the groups gnomAD compares: African/African-American, 0.028%; no homozygotes.

Submissions (2):

Ambry Genetics
Classification: Uncertain significance for Inborn genetic diseases. Last evaluated: 2025-04-19. Review status: criteria provided, single submitter. Criteria: Ambry Variant Classification Scheme 2023. Collection method: clinical testing. Allele origin: germline.

Labcorp Genetics (formerly Invitae), Labcorp
Classification: Uncertain significance. Last evaluated: 2022-03-14. Review status: criteria provided, single submitter. Criteria: Invitae Variant Classification Sherloc (09022015). Collection method: clinical testing. Allele origin: germline.
Comment: This sequence change replaces valine, which is neutral and non-polar, with phenylalanine, which is neutral and non-polar, at codon 239 of the CAD protein (p.Val239Phe). This variant is present in population databases (rs143980497, gnomAD 0.02%). This variant has not been reported in the literature in individuals affected with CAD-related conditions. Algorithms developed to predict the effect of missense changes on protein structure and function are either unavailable or do not agree on the potential impact of this missense change (SIFT: "Deleterious"; PolyPhen-2: "Benign"; Align-GVGD: "Class C0"). In summary, the available evidence is currently insufficient to determine the role of this variant in disease. Therefore, it has been classified as a Variant of Uncertain Significance.

NM_004341.5(CAD):c.715G>T (p.Val239Phe)

Gene: CAD (carbamoyl-phosphate synthetase 2, aspartate transcarbamylase, and dihydroorotase; plus strand). Cytogenetic location: 2p23.3.
Variant type: single nucleotide variant.
Coding change: c.715G>T on transcript NM_004341.5 (MANE Select); coding-DNA position 715, G replaced by T.
Protein change: p.Val239Phe; replaces valine 239 with phenylalanine.
Molecular consequence: missense variant.
Genome position (GRCh38, 1-based): chr2:27,222,943, G>T. VCF-style: chr2-27222943-G-T. GRCh37 (hg19) VCF-style: chr2-27445811-G-T.
Other names: c.715G>T, p.Val239Phe (NM_001306079.2); c.715G>T (NM_004341.3); short protein forms V239F.
Identifiers: ClinVar variation 2421665 (VCV002421665.4), dbSNP rs143980497, ClinGen allele CA1572505.